The following is an entry in ClinVar:

NM_147196.3(TMIE):c.218C>T (p.Thr73Met)

Gene: TMIE (transmembrane inner ear; plus strand). Cytogenetic location: 3p21.31.
Variant type: single nucleotide variant.
Coding change: c.218C>T on transcript NM_147196.3 (MANE Select); coding-DNA position 218, C replaced by T.
Protein change: p.Thr73Met; replaces threonine 73 with methionine.
Molecular consequence: missense variant.
Genome position (GRCh38, 1-based): chr3:46,709,132, C>T. VCF-style: chr3-46709132-C-T. GRCh37 (hg19) VCF-style: chr3-46750622-C-T.
Other names: c.59C>T, p.Thr20Met (NM_001370524.1, NM_001370525.1); short protein forms T73M, T20M.
Identifiers: ClinVar variation 505528 (VCV000505528.8), dbSNP rs770957465, ClinGen allele CA2357968.
Genomic context (GRCh38, chr3:46,709,132, plus strand): 5'-TCCTTGGGTCTCTGAACCCCAGCCCCAGCCAAGCCTGCTCTGTCCTCCCTACAGTCATCA[C>T]GCTGTGCTGTGTCTTCAACTGTCGTGTGCCACGGACCCGGAAGGAGATCGAAGCCCGGTA-3'
Protein context (NP_671729.2, residues 63-83): FSLFVLSIII[Thr73Met]LCCVFNCRVP

ClinVar aggregate classification (germline): Uncertain significance. Review status: criteria provided, multiple submitters, no conflicts (2 of 4 stars). 2 submissions from 2 submitters: Uncertain significance (2). Last evaluated 2025-09-02.

Allele frequency attached by ClinVar (database versions not stated): ExAC 0.00002; gnomAD 0.00002; TOPMed 0.00002.
gnomAD v4.1: 20 of 1,614,070 alleles (0.0012%); highest among the groups gnomAD compares: East Asian, 0.013%; no homozygotes.

Submissions (2):

GeneDx
Classification: Uncertain significance. Last evaluated: 2025-09-02. Review status: criteria provided, single submitter. Criteria: GeneDx Variant Classification Process June 2021. Collection method: clinical testing. Allele origin: germline. Affected: yes.
Comment: In silico analysis suggests that this missense variant does not alter protein structure/function; Has not been previously published as pathogenic or benign to our knowledge; This variant is associated with the following publications: (PMID: 29739340)

Laboratory for Molecular Medicine, Mass General Brigham Personalized Medicine
Classification: Uncertain significance. Last evaluated: 2016-12-13. Review status: criteria provided, single submitter. Criteria: LMM Criteria. Collection method: clinical testing. Allele origin: germline. Observed: 1 variant allele.
Comment: The p.Thr73Met variant in TMIE has not been previously reported in individuals w ith hearing loss. It has been identified in 1/8618 East Asian and 1/66590 Europe an chromosomes by the Exome Aggregation Consortium (ExAC); however, its frequency is not high enough to rule out a pathogenic ro le. Computational prediction tools and conservation analyses do not provide stro ng support for or against an impact to the protein. In summary, the clinical sig nificance of the p.Thr73Met variant is uncertain.